The following is an entry in ClinVar:

ClinVar aggregate classification (germline): Pathogenic. Review status: criteria provided, multiple submitters, no conflicts (2 of 4 stars). 2 submissions from 2 submitters: Pathogenic (2). Last evaluated 2023-03-26.

Conditions:
RP1-related disorder. Also called: RP1-related condition.

Submissions (2):

Labcorp Genetics (formerly Invitae), Labcorp
Classification: Pathogenic. Last evaluated: 2023-03-26. Review status: criteria provided, single submitter. Criteria: Invitae Variant Classification Sherloc (09022015). Collection method: clinical testing. Allele origin: germline.
Comment: For these reasons, this variant has been classified as Pathogenic. This sequence change creates a premature translational stop signal (p.Ile681Lysfs*17) in the RP1 gene. This variant disrupts the C-terminus of the RP1 protein. Many variants that disrupt this region have been reported in individuals with either autosomal dominant or autosomal recessive retinitis pigmentosa (PMID: 11527933, 19933189, 29425069, 30027431, 33681214). Therefore, variants that disrupt this region are expected to be disease-causing. This variant is present in population databases (no rsID available, gnomAD 0.01%). This premature translational stop signal has been observed in individual(s) with retinitis pigmentosa (PMID: 30902645; Invitae). ClinVar contains an entry for this variant (Variation ID: 1297110). This variant disrupts the C-terminus of the RP1 protein. Many variants that disrupt this region have been reported in individuals with either autosomal dominant or autosomal recessive retinitis pigmentosa (PMID: 11527933, 19933189, 29425069, 30027431, 33681214). Therefore, variants that disrupt this region are expected to be disease-causing.

Blueprint Genetics
Classification: Pathogenic for RP1-related disorders. Last evaluated: 2022-06-20. Review status: criteria provided, single submitter. Criteria: ACMG Guidelines, 2015. Collection method: clinical testing. Allele origin: germline. Affected: yes. Observed: 1 variant allele.

Literature cited by the submitters: PubMed 11527933 (cited by Labcorp Genetics (formerly Invitae), Labcorp); PubMed 19933189 (cited by Labcorp Genetics (formerly Invitae), Labcorp); PubMed 29425069 (cited by Labcorp Genetics (formerly Invitae), Labcorp); PubMed 30027431 (cited by Labcorp Genetics (formerly Invitae), Labcorp); PubMed 33681214 (cited by Labcorp Genetics (formerly Invitae), Labcorp); PubMed 30902645 (cited by Labcorp Genetics (formerly Invitae), Labcorp).

NM_006269.2(RP1):c.2042delinsAA (p.Ile681fs)

Gene: RP1 (RP1 axonemal microtubule associated; plus strand). Cytogenetic location: 8q12.1.
Variant type: Indel.
Coding change: c.2042delinsAA on transcript NM_006269.2 (MANE Select); coding-DNA position 2042, T replaced by AA.
Protein change: p.Ile681fs; shifts the reading frame from isoleucine 681.
Molecular consequence: frameshift variant. On other transcripts: intron variant (1).
Genome position (GRCh38, 1-based): chr8:54,625,924, T replaced by AA. VCF-style: chr8-54625924-T-AA. GRCh37 (hg19) VCF-style: chr8-55538484-T-AA.
Other names: c.787+3636delinsAA (NM_001375654.1); short protein forms I681fs.
Identifiers: ClinVar variation 2889502 (VCV002889502.4), dbSNP rs1806031833, ClinGen allele CA1139660530.